The following is an entry in ClinVar:

NM_001353345.2(SETD1B):c.2489G>A (p.Arg830His)

Gene: SETD1B (SET domain containing 1B, histone lysine methyltransferase; plus strand). Cytogenetic location: 12q24.31.
Variant type: single nucleotide variant.
Coding change: c.2489G>A on transcript NM_001353345.2 (MANE Select); coding-DNA position 2489, G replaced by A.
Protein change: p.Arg830His; replaces arginine 830 with histidine.
Molecular consequence: missense variant.
Genome position (GRCh38, 1-based): chr12:121,814,704, G>A. VCF-style: chr12-121814704-G-A. GRCh37 (hg19) VCF-style: chr12-122252610-G-A.
Other names: short protein forms R830H.
Identifiers: ClinVar variation 2643449 (VCV002643449.24), dbSNP rs959641619, ClinGen allele CA244641595.

ClinVar aggregate classification (germline): Likely benign (1 of 4 stars; one submission).

Allele frequency attached by ClinVar (database versions not stated): TOPMed 0.00004; gnomAD 0.00007.
gnomAD v4.1: 45 of 1,550,436 alleles (0.0029%); highest among the groups gnomAD compares: East Asian, 0.056%; no homozygotes.

Submission:

CeGaT Center for Human Genetics Tuebingen
Classification: Likely benign. Last evaluated: 2023-04-01. Review status: criteria provided, single submitter. Criteria: CeGaT Center For Human Genetics Tuebingen Variant Classification Criteria Version 2. Collection method: clinical testing. Allele origin: germline. Affected: yes. Observed: 1 variant allele.
Comment: SETD1B: PP2, BS1